The following is an entry in ClinVar:

ClinVar aggregate classification (germline): Likely pathogenic (1 of 4 stars; one submission).

Conditions:
Congenital neutropenia-myelofibrosis-nephromegaly syndrome. Also called: Severe congenital neutropenia 5, autosomal recessive. Identifiers: Orphanet 369852, MedGen C3809031, MONDO:0014118, OMIM 615285.

Submission:

Natera, Inc.
Classification: Likely pathogenic for Autosomal recessive severe congenital neutropenia 5. Last evaluated: 2025-12-18. Review status: criteria provided, single submitter. Criteria: Natera Variant Classification Schema (03/2026). Collection method: clinical testing. Allele origin: germline.
Comment: The c.769_770insTG variant in VPS45 is a frameshift variant predicted to shift the reading frame beginning at codon 257 and leads to a stop codon 4 codons downstream. This variant is expected to result in nonsense mediated decay, truncation, or a dysfunctional protein product. This variant is rare in the general population with a frequency below the threshold expected for the associated phenotype(s). Given the available evidence, this variant is classified as Likely Pathogenic.

NM_007259.5(VPS45):c.769_770insTG (p.Lys257fs)

Gene: VPS45 (vacuolar protein sorting 45 homolog; plus strand). Cytogenetic location: 1q21.2.
Variant type: Insertion.
Coding change: c.769_770insTG on transcript NM_007259.5 (MANE Select); coding-DNA positions 769 to 770, TG inserted.
Protein change: p.Lys257fs; shifts the reading frame from lysine 257.
Molecular consequence: frameshift variant. On other transcripts: non-coding transcript variant (1).
Genome position: GRCh38 VCF-style: chr1-150081423-A-ATG. GRCh37 (hg19) VCF-style: chr1-150053505-A-ATG.
Other names: c.454_455insTG, p.Lys152fs (NM_001279353.2); c.661_662insTG, p.Lys221fs (NM_001279354.2); short protein forms K152fs, K221fs, K257fs.
Identifiers: ClinVar variation 4815531 (VCV004815531.1).
Genomic context (GRCh38, chr1:150,081,423, plus strand): 5'-CACGAACTACTAGGCATAAACAACAATCGGATTGATCTTTCCAGAGTGCCGGGAATCAGT[A>ATG]AAGACTTAAGAGAAGTGGTCCTATCTGCTGAAAATGATGAATTCTATGCTAATGTAGGTG-3'